The following is an entry in ClinVar:

NM_001267550.2(TTN):c.91731C>T (p.Asp30577=)

Genes: TTN-AS1 (TTN antisense RNA 1; plus strand), TTN (titin; minus strand). Cytogenetic location: 2q31.2.
Variant type: single nucleotide variant.
Coding change: c.91731C>T on transcript NM_001267550.2 (MANE Select); coding-DNA position 91731, C replaced by T.
Protein change: p.Asp30577=; no amino-acid change (aspartic acid 30577 retained).
Molecular consequence: synonymous variant.
Genome position (GRCh38, 1-based): chr2:178,550,107, G>A on the plus strand (C>T on the coding strand, the complement: TTN is on the minus strand). VCF-style: chr2-178550107-G-A. GRCh37 (hg19) VCF-style: chr2-179414834-G-A.
Other names: c.65112C>T, p.Asp21704= (NM_133437.4); c.84027C>T, p.Asp28009= (NM_133378.4); c.86808C>T, p.Asp28936= (NM_001256850.1); c.64536C>T, p.Asp21512= (NM_003319.4); c.64911C>T, p.Asp21637= (NM_133432.3).
Identifiers: ClinVar variation 179716 (VCV000179716.18), dbSNP rs727505073, ClinGen allele CA184985.

ClinVar aggregate classification (germline): Likely benign. Review status: criteria provided, multiple submitters, no conflicts (2 of 4 stars). 4 submissions from 4 submitters: Likely benign (4). Last evaluated 2025-10-01.

Conditions:
Cardiovascular phenotype. Identifiers: MedGen CN230736.
Autosomal recessive limb-girdle muscular dystrophy type 2J (LGMDR10). Also called: Limb-girdle muscular dystrophy, type 2J; MUSCULAR DYSTROPHY, LIMB-GIRDLE, AUTOSOMAL RECESSIVE 10. Identifiers: Orphanet 140922, MedGen C1837342, MONDO:0012127, OMIM 608807.
Dilated cardiomyopathy 1G (CMD1G). Identifiers: Orphanet 154, MedGen C1858763, MONDO:0011400, OMIM 604145.

Allele frequency attached by ClinVar (database versions not stated): TOPMed 0.00001; ExAC 0.00002; gnomAD exomes 0.00002; gnomAD 0.00003.
gnomAD v4.1: 15 of 1,613,782 alleles (0.00093%); highest among the groups gnomAD compares: Admixed American, 0.0083%; no homozygotes.

Submissions (4):

Labcorp Genetics (formerly Invitae), Labcorp
Classification: Likely benign for Dilated cardiomyopathy 1G; Autosomal recessive limb-girdle muscular dystrophy type 2J. Last evaluated: 2025-10-01. Review status: criteria provided, single submitter. Criteria: Invitae Variant Classification Sherloc (09022015). Collection method: clinical testing. Allele origin: germline.

Ambry Genetics
Classification: Likely benign for Cardiovascular phenotype. Last evaluated: 2023-03-08. Review status: criteria provided, single submitter. Criteria: Ambry Variant Classification Scheme 2023. Collection method: clinical testing. Allele origin: germline.

Blueprint Genetics
Classification: Likely benign. Last evaluated: 2022-04-21. Review status: criteria provided, single submitter. Criteria: ACMG Guidelines, 2015. Collection method: clinical testing. Allele origin: germline.

Laboratory for Molecular Medicine, Mass General Brigham Personalized Medicine
Classification: Likely benign. Last evaluated: 2014-05-14. Review status: criteria provided, single submitter. Criteria: LMM Criteria. Collection method: clinical testing. Allele origin: germline. Observed: 1 variant allele.
Comment: Asp28009Asp in exon 286 of TTN: This variant is not expected to have clinical si gnificance because it does not alter an amino acid residue and is not located wi thin the splice consensus sequence. It has been identified in (4/34416) Latino c hromosomes in the gnomad database. BP4, BP7